The following is an entry in ClinVar:

ClinVar aggregate classification (germline): not provided (0 of 4 stars; one submission).

Conditions:
Familial long QT syndrome (RWS). Also called: Congenital long QT syndrome; Romano-Ward syndrome; VENTRICULAR FIBRILLATION WITH PROLONGED QT INTERVAL. Identifiers: Orphanet 768, MedGen C1141890, MONDO:0019171.

Submission:

Cardiovascular Biomedical Research Unit, Royal Brompton & Harefield NHS Foundation Trust
No classification provided. Condition: Familial long QT syndrome. Review status: no classification provided. Collection method: literature only. Allele origin: germline.
Comment: This variant has been reported as associated with Long QT syndrome in the following publications (PMID:11668638). This is a literature report, and does not necessarily reflect the clinical interpretation of the Imperial College / Royal Brompton Cardiovascular Genetics laboratory.

Literature cited by the submitters: PubMed 11668638; PubMed 22581653.

NM_000218.3(KCNQ1):c.929T>A (p.Val310Asp)

Gene: KCNQ1 (potassium voltage-gated channel subfamily Q member 1; plus strand). Cytogenetic location: 11p15.5.
Variant type: single nucleotide variant.
Coding change: c.929T>A on transcript NM_000218.3 (MANE Select); coding-DNA position 929, T replaced by A.
Protein change: p.Val310Asp; replaces valine 310 with aspartic acid.
Molecular consequence: missense variant.
Genome position (GRCh38, 1-based): chr11:2,583,442, T>A. VCF-style: chr11-2583442-T-A. GRCh37 (hg19) VCF-style: chr11-2604672-T-A.
Other names: c.929T>A (LRG_287t1); c.929T>A, p.Val310Asp (NM_001406836.1); c.659T>A, p.Val220Asp (NM_001406837.1); c.485T>A, p.Val162Asp (NM_001406838.1); c.548T>A, p.Val183Asp (NM_181798.2); short protein forms V310D, V183D, V220D, V162D.
Identifiers: ClinVar variation 67124 (VCV000067124.3), dbSNP rs199472744, ClinGen allele CA008737.